The following is an entry in ClinVar:

NM_013382.7(POMT2):c.548-77C>G

Gene: POMT2 (protein O-mannosyltransferase 2; minus strand). Cytogenetic location: 14q24.3.
Variant type: single nucleotide variant.
Coding change: c.548-77C>G on transcript NM_013382.7 (MANE Select); 77 bases into the intron before coding-DNA position 548, C replaced by G.
Molecular consequence: intron variant.
Genome position (GRCh38, 1-based): chr14:77,303,020, G>C on the plus strand (C>G on the coding strand, the complement: POMT2 is on the minus strand). VCF-style: chr14-77303020-G-C. GRCh37 (hg19) VCF-style: chr14-77769363-G-C.
Identifiers: ClinVar variation 677413 (VCV000677413.2), dbSNP rs149929369, ClinGen allele CA263839064.

ClinVar aggregate classification (germline): Likely benign. Review status: criteria provided, multiple submitters, no conflicts (2 of 4 stars). 2 submissions from 2 submitters: Likely benign (2). Last evaluated 2018-06-16.

Allele frequency attached by ClinVar (database versions not stated): 1000 Genomes Project 30x 0.00703; 1000 Genomes Project 0.00739; TOPMed 0.01725; gnomAD 0.01966 and 0.01998; gnomAD exomes 0.02789.
gnomAD v4.1: 28,403 of 1,068,392 alleles (2.7%); highest among the groups gnomAD compares: Non-Finnish European, 3.2%; 461 homozygotes.

Submissions (2):

GeneDx
Classification: Likely benign. Last evaluated: 2018-06-16. Review status: criteria provided, single submitter. Criteria: GeneDx Variant Classification (06012015). Collection method: clinical testing. Allele origin: germline. Affected: yes.
Comment: This variant is considered likely benign or benign based on one or more of the following criteria: it is a conservative change, it occurs at a poorly conserved position in the protein, it is predicted to be benign by multiple in silico algorithms, and/or has population frequency not consistent with disease.

Breakthrough Genomics
Classification: Likely benign. Review status: criteria provided, single submitter. Criteria: ACMG Guidelines, 2015. Collection method: not provided. Allele origin: germline. Inheritance: Autosomal recessive inheritance. Affected: yes.